The following is an entry in ClinVar:

ClinVar aggregate classification (germline): Pathogenic. Review status: criteria provided, single submitter (1 of 4 stars). 2 submissions from 2 submitters: Pathogenic (1). 1 of the submissions does not count toward it. Last evaluated 2022-06-29.

Conditions:
IFT74-related disorder. Also called: IFT74-related condition; IFT74-Related Disorders.

gnomAD v4.1: 279 of 1,613,948 alleles (0.017%); highest among the groups gnomAD compares: Non-Finnish European, 0.023%; no homozygotes.

Submissions (2):

Labcorp Genetics (formerly Invitae), Labcorp
Classification: Pathogenic. Last evaluated: 2022-06-29. Review status: criteria provided, single submitter. Criteria: Invitae Variant Classification Sherloc (09022015). Collection method: clinical testing. Allele origin: germline.
Comment: This sequence change creates a premature translational stop signal (p.Arg36*) in the IFT74 gene. It is expected to result in an absent or disrupted protein product. Loss-of-function variants in IFT74 are known to be pathogenic (PMID: 33531668). This variant is present in population databases (rs200556379, gnomAD 0.008%). This variant has not been reported in the literature in individuals affected with IFT74-related conditions. Algorithms developed to predict the effect of sequence changes on RNA splicing suggest that this variant may disrupt the consensus splice site. For these reasons, this variant has been classified as Pathogenic.

PreventionGenetics, part of Exact Sciences
Classification: Likely pathogenic for IFT74-related condition. Last evaluated: 2024-04-26. Review status: no assertion criteria provided. Collection method: clinical testing. Allele origin: germline. Not counted in ClinVar's aggregate classification.
Comment: The IFT74 c.106C>T variant is predicted to result in premature protein termination (p.Arg36*). To our knowledge, this variant has not been reported in the literature. This variant is reported in 0.0078% of alleles in individuals of European (Non-Finnish) descent in gnomAD. Nonsense variants in IFT74 are expected to be pathogenic, including loss of function variants in exon 1 that are associated with Joubert syndrome (Luo et al. 2021. PubMed ID: 33531668). Taken together, this variant is interpreted as likely pathogenic.

Literature cited by the submitters: PubMed 33531668 (cited by Labcorp Genetics (formerly Invitae), Labcorp).

NM_025103.4(IFT74):c.106C>T (p.Arg36Ter)

Gene: IFT74 (intraflagellar transport 74; plus strand). Cytogenetic location: 9p21.2.
Variant type: single nucleotide variant.
Coding change: c.106C>T on transcript NM_025103.4 (MANE Select); coding-DNA position 106, C replaced by T.
Protein change: p.Arg36Ter; replaces arginine 36 with a stop codon.
Molecular consequence: nonsense.
Genome position (GRCh38, 1-based): chr9:26,962,073, C>T. VCF-style: chr9-26962073-C-T. GRCh37 (hg19) VCF-style: chr9-26962071-C-T.
Other names: c.106C>T, p.Arg36Ter (NM_001099222.3, NM_001099223.3, NM_001099224.3 and 1 more transcripts); c.106C>T (NM_025103.2); short protein forms R36*.
Identifiers: ClinVar variation 2164189 (VCV002164189.3), dbSNP rs200556379, ClinGen allele CA191293719.